The following is an entry in ClinVar:

ClinVar aggregate classification (germline): Uncertain significance (1 of 4 stars; one submission).

Conditions:
Anauxetic dysplasia. Identifiers: Orphanet 93347, MedGen C1846796, MONDO:0011773.

Allele frequency attached by ClinVar (database versions not stated): gnomAD exomes 0.00002; TOPMed 0.00002; gnomAD 0.00004.
gnomAD v4.1: 13 of 693,060 alleles (0.0019%); highest among the groups gnomAD compares: African/African-American, 0.0099%; no homozygotes.

Submission:

Labcorp Genetics (formerly Invitae), Labcorp
Classification: Uncertain significance for Anauxetic dysplasia. Last evaluated: 2024-12-02. Review status: criteria provided, single submitter. Criteria: Invitae Variant Classification Sherloc (09022015). Collection method: clinical testing. Allele origin: germline.
Comment: This variant occurs in the RMRP gene, which encodes an RNA molecule that does not result in a protein product. This variant is present in population databases (no rsID available, gnomAD 0.009%). This variant has not been reported in the literature in individuals affected with RMRP-related conditions. ClinVar contains an entry for this variant (Variation ID: 2164291). Experimental studies and prediction algorithms are not available or were not evaluated, and the functional significance of this variant is currently unknown. In summary, the available evidence is currently insufficient to determine the role of this variant in disease. Therefore, it has been classified as a Variant of Uncertain Significance.

NC_000009.12:g.35657830G>A

Gene: RMRP (RNA component of mitochondrial RNA processing endoribonuclease; minus strand). Cytogenetic location: 9p13.3.
Variant type: single nucleotide variant.
Genome position: GRCh38 VCF-style: chr9-35657830-G-A. GRCh37 (hg19) VCF-style: chr9-35657827-G-A.
Identifiers: ClinVar variation 2164291 (VCV002164291.2), dbSNP rs933259658, ClinGen allele CA192745576.